The following is an entry in ClinVar:

ClinVar aggregate classification (germline): Uncertain significance. Review status: criteria provided, multiple submitters, no conflicts (2 of 4 stars). 2 submissions from 2 submitters: Uncertain significance (2). Last evaluated 2023-12-28.

Submissions (2):

GeneDx
Classification: Uncertain significance. Last evaluated: 2023-12-28. Review status: criteria provided, single submitter. Criteria: GeneDx Variant Classification Process June 2021. Collection method: clinical testing. Allele origin: germline. Affected: yes.
Comment: Not observed at significant frequency in large population cohorts (gnomAD); In silico analysis supports that this missense variant does not alter protein structure/function; Has not been previously published as pathogenic or benign to our knowledge

Labcorp Genetics (formerly Invitae), Labcorp
Classification: Uncertain significance. Last evaluated: 2023-02-02. Review status: criteria provided, single submitter. Criteria: Invitae Variant Classification Sherloc (09022015). Collection method: clinical testing. Allele origin: germline.
Comment: This variant is not present in population databases (gnomAD no frequency). This sequence change replaces methionine, which is neutral and non-polar, with valine, which is neutral and non-polar, at codon 200 of the TBX20 protein (p.Met200Val). This variant has not been reported in the literature in individuals affected with TBX20-related conditions. In summary, the available evidence is currently insufficient to determine the role of this variant in disease. Therefore, it has been classified as a Variant of Uncertain Significance. Advanced modeling of protein sequence and biophysical properties (such as structural, functional, and spatial information, amino acid conservation, physicochemical variation, residue mobility, and thermodynamic stability) performed at Invitae indicates that this missense variant is not expected to disrupt TBX20 protein function.

NM_001077653.2(TBX20):c.598A>G (p.Met200Val)

Gene: TBX20 (T-box transcription factor 20; minus strand). Cytogenetic location: 7p14.2.
Variant type: single nucleotide variant.
Coding change: c.598A>G on transcript NM_001077653.2 (MANE Select); coding-DNA position 598, A replaced by G.
Protein change: p.Met200Val; replaces methionine 200 with valine.
Molecular consequence: missense variant.
Genome position (GRCh38, 1-based): chr7:35,245,005, T>C on the plus strand (A>G on the coding strand, the complement: TBX20 is on the minus strand). VCF-style: chr7-35245005-T-C. GRCh37 (hg19) VCF-style: chr7-35284617-T-C.
Other names: c.598A>G, p.Met200Val (NM_001166220.1); short protein forms M200V.
Identifiers: ClinVar variation 2787233 (VCV002787233.4), dbSNP rs561693382, ClinGen allele CA367264391.